The following is an entry in ClinVar:

NM_006506.5(RASA2):c.2307A>T (p.Leu769Phe)

Gene: RASA2 (RAS p21 protein activator 2; plus strand). Cytogenetic location: 3q23.
Variant type: single nucleotide variant.
Coding change: c.2307A>T on transcript NM_006506.5 (MANE Select); coding-DNA position 2307, A replaced by T.
Protein change: p.Leu769Phe; replaces leucine 769 with phenylalanine.
Molecular consequence: missense variant.
Genome position (GRCh38, 1-based): chr3:141,609,501, A>T. VCF-style: chr3-141609501-A-T. GRCh37 (hg19) VCF-style: chr3-141328343-A-T.
Other names: c.2310A>T, p.Leu770Phe (NM_001303245.3); c.2319A>T, p.Leu773Phe (NM_001303246.3); short protein forms L770F, L773F, L769F.
Identifiers: ClinVar variation 1426227 (VCV001426227.11), dbSNP rs141310259, ClinGen allele CA2645801.

ClinVar aggregate classification (germline): Conflicting classifications of pathogenicity. Review status: criteria provided, conflicting classifications (1 of 4 stars). 3 submissions from 3 submitters: Uncertain significance (2); Likely benign (1). Last evaluated 2025-10-25.

Allele frequency attached by ClinVar (database versions not stated): gnomAD exomes 0.00001 and 0.00005; ExAC 0.00009; gnomAD 0.00015 and 0.00017; TOPMed 0.00021; ESP Exome Variant Server 0.00038.
gnomAD v4.1: 47 of 1,593,656 alleles (0.0029%); highest among the groups gnomAD compares: African/African-American, 0.039%; no homozygotes.

Submissions (3):

Labcorp Genetics (formerly Invitae), Labcorp
Classification: Uncertain significance. Last evaluated: 2025-10-25. Review status: criteria provided, single submitter. Criteria: Invitae Variant Classification Sherloc (09022015). Collection method: clinical testing. Allele origin: germline.
Comment: This sequence change replaces leucine, which is neutral and non-polar, with phenylalanine, which is neutral and non-polar, at codon 769 of the RASA2 protein (p.Leu769Phe). This variant is present in population databases (rs141310259, gnomAD 0.05%). This variant has not been reported in the literature in individuals affected with RASA2-related conditions. ClinVar contains an entry for this variant (Variation ID: 1426227). Invitae Evidence Modeling of protein sequence and biophysical properties (such as structural, functional, and spatial information, amino acid conservation, physicochemical variation, residue mobility, and thermodynamic stability) has been performed for this missense variant. However, the output from this modeling did not meet the statistical confidence thresholds required to predict the impact of this variant on RASA2 protein function. In summary, the available evidence is currently insufficient to determine the role of this variant in disease. Therefore, it has been classified as a Variant of Uncertain Significance.

Ambry Genetics
Classification: Likely benign. Last evaluated: 2021-11-14. Review status: criteria provided, single submitter. Criteria: Ambry Variant Classification Scheme 2023. Collection method: clinical testing. Allele origin: germline.

Breakthrough Genomics
Classification: Uncertain significance. Review status: criteria provided, single submitter. Criteria: ACMG Guidelines, 2015. Collection method: not provided. Allele origin: germline. Inheritance: Unknown mechanism. Affected: yes.